The following is an entry in ClinVar:

ClinVar aggregate classification (germline): Uncertain significance (1 of 4 stars; one submission).

Conditions:
Familial cold autoinflammatory syndrome 2 (FCAS2). Identifiers: Orphanet 247868, MedGen C2673198, MONDO:0012724, OMIM 611762.

Allele frequency attached by ClinVar (database versions not stated): ExAC 0.00001; TOPMed 0.00001; gnomAD 0.00003.
gnomAD v4.1: 20 of 1,614,002 alleles (0.0012%); highest among the groups gnomAD compares: East Asian, 0.0045%; no homozygotes.

Submission:

Labcorp Genetics (formerly Invitae), Labcorp
Classification: Uncertain significance for Familial cold autoinflammatory syndrome 2. Last evaluated: 2022-12-21. Review status: criteria provided, single submitter. Criteria: Invitae Variant Classification Sherloc (09022015). Collection method: clinical testing. Allele origin: germline.
Comment: This sequence change replaces leucine, which is neutral and non-polar, with valine, which is neutral and non-polar, at codon 654 of the NLRP12 protein (p.Leu654Val). This variant is present in population databases (rs747078591, gnomAD 0.005%). This variant has not been reported in the literature in individuals affected with NLRP12-related conditions. Advanced modeling of protein sequence and biophysical properties (such as structural, functional, and spatial information, amino acid conservation, physicochemical variation, residue mobility, and thermodynamic stability) performed at Invitae indicates that this missense variant is not expected to disrupt NLRP12 protein function. In summary, the available evidence is currently insufficient to determine the role of this variant in disease. Therefore, it has been classified as a Variant of Uncertain Significance.

NM_144687.4(NLRP12):c.1960C>G (p.Leu654Val)

Gene: NLRP12 (NLR family pyrin domain containing 12; minus strand). Cytogenetic location: 19q13.42.
Variant type: single nucleotide variant.
Coding change: c.1960C>G on transcript NM_144687.4 (MANE Select); coding-DNA position 1960, C replaced by G.
Protein change: p.Leu654Val; replaces leucine 654 with valine.
Molecular consequence: missense variant.
Genome position (GRCh38, 1-based): chr19:53,809,699, G>C on the plus strand (C>G on the coding strand, the complement: NLRP12 is on the minus strand). VCF-style: chr19-53809699-G-C. GRCh37 (hg19) VCF-style: chr19-54312953-G-C.
Other names: c.1960C>G, p.Leu654Val (NM_001277126.2, NM_001277129.1); short protein forms L654V.
Identifiers: ClinVar variation 3004041 (VCV003004041.3), dbSNP rs747078591, ClinGen allele CA9639306.